The following is an entry in ClinVar:

NM_006506.5(RASA2):c.43G>T (p.Ala15Ser)

Genes: RASA2 (RAS p21 protein activator 2; plus strand), LOC129937686 (ATAC-STARR-seq lymphoblastoid silent region 14777; plus strand). Cytogenetic location: 3q23.
Variant type: single nucleotide variant.
Coding change: c.43G>T on transcript NM_006506.5 (MANE Select); coding-DNA position 43, G replaced by T.
Protein change: p.Ala15Ser; replaces alanine 15 with serine.
Molecular consequence: missense variant.
Genome position (GRCh38, 1-based): chr3:141,487,126, G>T. VCF-style: chr3-141487126-G-T. GRCh37 (hg19) VCF-style: chr3-141205968-G-T.
Other names: c.43G>T, p.Ala15Ser (NM_001303245.3, NM_001303246.3); short protein forms A15S.
Identifiers: ClinVar variation 4722849 (VCV004722849.1).

ClinVar aggregate classification (germline): Uncertain significance (1 of 4 stars; one submission).

Submission:

Labcorp Genetics (formerly Invitae), Labcorp
Classification: Uncertain significance. Last evaluated: 2025-07-08. Review status: criteria provided, single submitter. Criteria: Invitae Variant Classification Sherloc (09022015). Collection method: clinical testing. Allele origin: germline.
Comment: This sequence change replaces alanine, which is neutral and non-polar, with serine, which is neutral and polar, at codon 15 of the RASA2 protein (p.Ala15Ser). This variant is not present in population databases (gnomAD no frequency). This variant has not been reported in the literature in individuals affected with RASA2-related conditions. Experimental studies and prediction algorithms are not available or were not evaluated, and the functional significance of this variant is currently unknown. In summary, the available evidence is currently insufficient to determine the role of this variant in disease. Therefore, it has been classified as a Variant of Uncertain Significance.